The following is an entry in ClinVar:

NM_007294.4(BRCA1):c.5467+19C>A

Gene: BRCA1 (BRCA1 DNA repair associated; minus strand). Cytogenetic location: 17q21.31.
Variant type: single nucleotide variant.
Coding change: c.5467+19C>A on transcript NM_007294.4 (MANE Select); 19 bases into the intron after coding-DNA position 5467, C replaced by A.
Molecular consequence: intron variant.
Genome position (GRCh38, 1-based): chr17:43,047,624, G>T on the plus strand (C>A on the coding strand, the complement: BRCA1 is on the minus strand). VCF-style: chr17-43047624-G-T. GRCh37 (hg19) VCF-style: chr17-41199641-G-T.
Other names: c.2014+19C>A (NM_001408458.1, NM_001408461.1, NM_001408464.1 and 7 more transcripts); c.4576+19C>A (NM_001407967.1); c.5086+19C>A (NM_001407959.1); c.5200+19C>A (NM_001407931.1, NM_001407932.1, NM_001407928.1 and 4 more transcripts); c.5323+19C>A (NM_001407747.1, NM_001407745.1, NM_001407737.1 and 18 more transcripts); c.5083+19C>A (NM_001407962.1, NM_001407960.1); c.1654+19C>A (NM_001408512.1); c.1777+19C>A (NM_001408510.1); and 83 more.
Identifiers: ClinVar variation 868540 (VCV000868540.8), dbSNP rs2050971735, ClinGen allele CA916080738.

ClinVar aggregate classification (germline): Likely benign (1 of 4 stars; one submission).

Conditions:
Hereditary breast ovarian cancer syndrome. Also called: Hereditary breast and ovarian cancer; Hereditary breast and ovarian cancer syndrome (HBOC); Breast and ovarian cancer; Hereditary breast and/or ovarian cancer syndrome; BRCA1- and BRCA2-Associated Hereditary Breast and Ovarian Cancer; Hereditary breast and ovarian cancer syndrome. Identifiers: Orphanet 145, MedGen C0677776, MeSH D061325, MONDO:0003582. Disease mechanism: loss of function.

Submissions (2):

Labcorp Genetics (formerly Invitae), Labcorp
Classification: Likely benign for Hereditary breast ovarian cancer syndrome. Last evaluated: 2022-09-12. Review status: criteria provided, single submitter. Criteria: Invitae Variant Classification Sherloc (09022015). Collection method: clinical testing. Allele origin: germline.

Brotman Baty Institute, University of Washington
No classification provided (evidence only). Condition: Breast-ovarian cancer, familial 1. Review status: no classification provided. Collection method: in vitro. Allele origin: not applicable. Functional consequence: functionally_normal. Not counted in ClinVar's aggregate classification.
ClinVar note: "not provided" was previously submitted as the classification for the variant. However, the classification appeared to be based only on an observation of functional data so it was converted to no classification on 2025-07-30.